The following is an entry in ClinVar:

ClinVar aggregate classification (germline): Uncertain significance (1 of 4 stars; one submission).

Conditions:
Microcephaly and chorioretinopathy 1. Also called: Microcephaly and chorioretinopathy, autosomal recessive, 1. Identifiers: MedGen C3278481, MONDO:0009624, OMIM 251270.

gnomAD v4.1: 2 of 1,613,512 alleles (0.00012%); highest among the groups gnomAD compares: Non-Finnish European, 0.000085%; no homozygotes.

Submission:

3billion
Classification: Uncertain significance for Microcephaly and chorioretinopathy 1. Last evaluated: 2023-08-03. Review status: criteria provided, single submitter. Criteria: ACMG Guidelines, 2015. Collection method: clinical testing. Allele origin: germline. Affected: yes.
Comment: The variant is not observed in the gnomAD v2.1.1 dataset. Predicted Consequence/Location: Synonymous variant predicted in silico to alter splicing and result in a premature termination. However, the prediction score (Splice AI :0.48) is not significant and therefore functional studies should be performed to observe the exact consequence. Therefore, this variant is classified as VUS according to the recommendation of ACMG/AMP guideline.

NM_020461.4(TUBGCP6):c.3834G>A (p.Val1278=)

Gene: TUBGCP6 (tubulin gamma complex component 6; minus strand). Cytogenetic location: 22q13.33.
Variant type: single nucleotide variant.
Coding change: c.3834G>A on transcript NM_020461.4 (MANE Select); coding-DNA position 3834, G replaced by A.
Protein change: p.Val1278=; no amino-acid change (valine 1278 retained).
Molecular consequence: synonymous variant.
Genome position (GRCh38, 1-based): chr22:50,220,525, C>T on the plus strand (G>A on the coding strand, the complement: TUBGCP6 is on the minus strand). VCF-style: chr22-50220525-C-T. GRCh37 (hg19) VCF-style: chr22-50658954-C-T.
Identifiers: ClinVar variation 3775371 (VCV003775371.1).